The following is an entry in ClinVar:

NM_006767.4(LZTR1):c.2044A>G (p.Lys682Glu)

Gene: LZTR1 (leucine zipper like post translational regulator 1; plus strand). Cytogenetic location: 22q11.21.
Variant type: single nucleotide variant.
Coding change: c.2044A>G on transcript NM_006767.4 (MANE Select); coding-DNA position 2044, A replaced by G.
Protein change: p.Lys682Glu; replaces lysine 682 with glutamic acid.
Molecular consequence: missense variant.
Genome position (GRCh38, 1-based): chr22:20,995,847, A>G. VCF-style: chr22-20995847-A-G. GRCh37 (hg19) VCF-style: chr22-21350136-A-G.
Other names: (p.Lys682Glu); short protein forms K682E.
Identifiers: ClinVar variation 449911 (VCV000449911.13), dbSNP rs758472207, ClinGen allele CA10119206.

ClinVar aggregate classification (germline): Conflicting classifications of pathogenicity. Review status: criteria provided, conflicting classifications (1 of 4 stars). 4 submissions from 4 submitters: Likely pathogenic (1); Uncertain significance (3). Last evaluated 2025-12-21.

Conditions:
Noonan syndrome 2 (NS2). Identifiers: Orphanet 648, MedGen C1854469, MONDO:0011531, OMIM 605275.
Hereditary cancer-predisposing syndrome. Also called: Neoplastic Syndromes, Hereditary; Hereditary neoplastic syndrome; Hereditary Cancer Syndrome; Tumor predisposition. Identifiers: Orphanet 140162, MedGen C0027672, MeSH D009386, MONDO:0015356.
Cardiovascular phenotype. Identifiers: MedGen CN230736.

Allele frequency attached by ClinVar (database versions not stated): gnomAD exomes below 0.00001 and 0.00001; ExAC 0.00001.

Submissions (4):

Labcorp Genetics (formerly Invitae), Labcorp
Classification: Uncertain significance. Last evaluated: 2025-12-21. Review status: criteria provided, single submitter. Criteria: Invitae Variant Classification Sherloc (09022015). Collection method: clinical testing. Allele origin: germline.
Comment: This sequence change replaces lysine, which is basic and polar, with glutamic acid, which is acidic and polar, at codon 682 of the LZTR1 protein (p.Lys682Glu). This variant is present in population databases (rs758472207, gnomAD 0.002%). This missense change has been observed in individual(s) with clinical features of LZTR1-related conditions (PMID: 39039281). ClinVar contains an entry for this variant (Variation ID: 449911). Invitae Evidence Modeling of protein sequence and biophysical properties (such as structural, functional, and spatial information, amino acid conservation, physicochemical variation, residue mobility, and thermodynamic stability) indicates that this missense variant is not expected to disrupt LZTR1 protein function with a negative predictive value of 80%. In summary, the available evidence is currently insufficient to determine the role of this variant in disease. Therefore, it has been classified as a Variant of Uncertain Significance.

GeneDx
Classification: Uncertain significance. Last evaluated: 2024-08-08. Review status: criteria provided, single submitter. Criteria: GeneDx Variant Classification Process June 2021. Collection method: clinical testing. Allele origin: germline. Affected: yes.
Comment: Not observed at significant frequency in large population cohorts (gnomAD); In silico analysis supports that this missense variant has a deleterious effect on protein structure/function; Has not been previously published as pathogenic or benign to our knowledge

Ambry Genetics
Classification: Uncertain significance for Cardiovascular phenotype; Hereditary cancer-predisposing syndrome. Last evaluated: 2024-02-23. Review status: criteria provided, single submitter. Criteria: Ambry Variant Classification Scheme 2023. Collection method: clinical testing. Allele origin: germline.
Comment: The p.K682E variant (also known as c.2044A>G), located in coding exon 17 of the LZTR1 gene, results from an A to G substitution at nucleotide position 2044. The lysine at codon 682 is replaced by glutamic acid, an amino acid with similar properties. This amino acid position is well conserved in available vertebrate species. In addition, the in silico prediction for this alteration is inconclusive. Since supporting evidence is limited at this time, the clinical significance of this alteration remains unclear.

Institute for Medical Genetics and Human Genetics, Charité - Universitätsmedizin Berlin
Classification: Likely pathogenic for Noonan syndrome 2. Review status: criteria provided, single submitter. Criteria: ACMG Guidelines, 2015. Collection method: clinical testing. Allele origin: germline. Inheritance: Autosomal recessive inheritance. Affected: yes. Observed: 1 compound heterozygote.
Comment: Bi-allelic mutations in the LZTR1 gene have been described as causative for autosomal recessive Noonan Syndrome 2 (MIM # 600574). Johnston et al. recently published 23 affected individuals from 12 families with Noonan syndrome 2. Umeki et al. recently published another case with Noonan syndrome 2. The maternally inherited sequence variant c.2044A>G in the LZTR1 gene has been described twice in gnomAD in heterozygous state in the European population (allele frequency of 0.002%). Prediction programs classify the amino acid exchange from lysine to glutamate at position 682 on the protein level as predominantly pathogenic. The sequence change is located in the BTB domain of the LZTR1 protein. Several missense mutations in this domain have already been described as the cause of autosomal recessive Noonan Syndrome 2 (Johnston et al. 2018). Since the maternally inherited variant is compound heterozygous with a pathogenic variant (paternally inherited, see below) (in trans position), we classify the maternally inherited sequence variant as probably pathogenic according to the ACMG criteria (class IV).

Literature cited by the submitters: PubMed 39039281 (cited by Labcorp Genetics (formerly Invitae), Labcorp).